The following is an entry in ClinVar:

ClinVar aggregate classification (germline): Benign/Likely benign. Review status: criteria provided, multiple submitters, no conflicts (2 of 4 stars). 4 submissions from 4 submitters: Benign (1); Likely benign (1). 2 of the submissions do not count toward it. Last evaluated 2026-01-18.

Conditions:
SLC12A3-related disorder. Also called: SLC12A3-related condition.
Familial hypokalemia-hypomagnesemia (GTLMNS). Also called: gitelman syndrome; HYPOMAGNESEMIA-HYPOKALEMIA, PRIMARY RENOTUBULAR, WITH HYPOCALCIURIA; POTASSIUM AND MAGNESIUM DEPLETION. Identifiers: Orphanet 358, MedGen C0268450, MONDO:0009904, OMIM 263800.

Allele frequency attached by ClinVar (database versions not stated): gnomAD exomes 0.00029; 1000 Genomes Project 30x 0.00047; ExAC 0.00050; 1000 Genomes Project 0.00060; gnomAD 0.00091 and 0.00101; TOPMed 0.00101; ESP Exome Variant Server 0.00115.

Submissions (4):

Labcorp Genetics (formerly Invitae), Labcorp
Classification: Benign. Last evaluated: 2026-01-18. Review status: criteria provided, single submitter. Criteria: Invitae Variant Classification Sherloc (09022015). Collection method: clinical testing. Allele origin: germline.

Blueprint Genetics
Classification: Likely benign. Last evaluated: 2023-10-27. Review status: criteria provided, single submitter. Criteria: ACMG Guidelines, 2015. Collection method: clinical testing. Allele origin: germline.

PreventionGenetics, part of Exact Sciences
Classification: Likely benign for SLC12A3-related condition. Last evaluated: 2023-12-11. Review status: no assertion criteria provided. Collection method: clinical testing. Allele origin: germline. Not counted in ClinVar's aggregate classification.
Comment: This variant is classified as likely benign based on ACMG/AMP sequence variant interpretation guidelines (Richards et al. 2015 PMID: 25741868, with internal and published modifications).

Natera, Inc.
Classification: Uncertain significance for Gitelman syndrome. Last evaluated: 2019-11-11. Review status: no assertion criteria provided. Collection method: clinical testing. Allele origin: germline. Not counted in ClinVar's aggregate classification.

NM_001126108.2(SLC12A3):c.429+9G>A

Gene: SLC12A3 (solute carrier family 12 member 3; plus strand). Cytogenetic location: 16q13.
Variant type: single nucleotide variant.
Coding change: c.429+9G>A on transcript NM_001126108.2 (MANE Select); 9 bases into the intron after coding-DNA position 429, G replaced by A.
Molecular consequence: intron variant.
Genome position (GRCh38, 1-based): chr16:56,867,225, G>A. VCF-style: chr16-56867225-G-A. GRCh37 (hg19) VCF-style: chr16-56901137-G-A.
Other names: c.429+9G>A (NM_000339.3); c.426+9G>A (NM_001126107.2).
Identifiers: ClinVar variation 710398 (VCV000710398.15), dbSNP rs375425173, ClinGen allele CA8069013.